The following is an entry in ClinVar:

ClinVar aggregate classification (germline): Uncertain significance. Review status: criteria provided, multiple submitters, no conflicts (2 of 4 stars). 2 submissions from 2 submitters: Uncertain significance (2). Last evaluated 2025-09-23.

Conditions:
Osteogenesis imperfecta, type 18. Also called: OSTEOGENESIS IMPERFECTA, TYPE XVIII. Identifiers: MedGen C4693736, MONDO:0044329, OMIM 617952.

Submissions (2):

Department of Molecular Genetics, Istishari Arab Hospital
Classification: Uncertain significance for Osteogenesis imperfecta, type 18. Last evaluated: 2025-09-23. Review status: criteria provided, single submitter. Criteria: ACMG Guidelines, 2015. Collection method: clinical testing. Allele origin: germline. Inheritance: Autosomal recessive inheritance. Affected: yes.
Comment: The TENT5A variant c.1060dup, p.Tyr354Leufs*11 creates a shift in the reading frame at position 354 in the last exon and is predicted to disrupt normal protein function through protein truncation. The predicted truncated protein may be shortened by more than 10%. To the best of our knowledge, this variant has not been previously reported in the literature and is not observed in the gnomAD v4.1.0 dataset. It is classified as variant of uncertain significance based on ACMG/AMP/ClinGen SVI guidelines.

3billion
Classification: Uncertain significance for Osteogenesis imperfecta, type 18. Last evaluated: 2025-09-20. Review status: criteria provided, single submitter. Criteria: ACMG Guidelines, 2015. Collection method: clinical testing. Allele origin: germline. Affected: yes.
Comment: The variant is not observed in the gnomAD v4.1.0 dataset. Predicted Consequence/Location: Frameshift: predicted to result in a loss or disruption of normal protein function through protein truncation. The predicted truncated protein may be shortened by more than 10%. Therefore, this variant is classified as VUS according to the recommendation of ACMG/AMP guideline.

NM_017633.3(TENT5A):c.1060dup (p.Tyr354fs)

Gene: TENT5A (terminal nucleotidyltransferase 5A; minus strand). Cytogenetic location: 6q14.1.
Variant type: Duplication.
Coding change: c.1060dup on transcript NM_017633.3 (MANE Select); coding-DNA position 1060, one base duplicated (T; older notation c.1060dupT).
Protein change: p.Tyr354fs; shifts the reading frame from tyrosine 354.
Molecular consequence: frameshift variant.
Genome position (GRCh38, 1-based): chr6:81,749,964, A duplicated on the plus strand (T on the coding strand, the reverse complement: TENT5A is on the minus strand). VCF-style (leftmost placement, unchanged base first): chr6-81749963-T-TA. GRCh37 (hg19) VCF-style: chr6-82459680-T-TA.
Other names: p.Tyr354Leufs*11; short protein forms Y354fs.
Identifiers: ClinVar variation 4087748 (VCV004087748.2).